The following is an entry in ClinVar:

NM_004933.3(CDH15):c.1728C>T (p.Asn576=)

Genes: CDH15 (cadherin 15; plus strand), LOC130059794 (ATAC-STARR-seq lymphoblastoid silent region 7894; plus strand). Cytogenetic location: 16q24.3.
Variant type: single nucleotide variant.
Coding change: c.1728C>T on transcript NM_004933.3 (MANE Select); coding-DNA position 1728, C replaced by T.
Protein change: p.Asn576=; no amino-acid change (asparagine 576 retained).
Molecular consequence: synonymous variant.
Genome position (GRCh38, 1-based): chr16:89,192,317, C>T. VCF-style: chr16-89192317-C-T. GRCh37 (hg19) VCF-style: chr16-89258725-C-T.
Identifiers: ClinVar variation 2647036 (VCV002647036.24), dbSNP rs749673851, ClinGen allele CA8239386.
Genomic context (GRCh38, chr16:89,192,317, plus strand): 5'-CCTCAGCCTGCTGCTCCGGGACTCGGGGCAGCCGCCCCAGCAGCGCGAGCAGCCTCTGAA[C>T]GTGACCGTGTGCCGCTGCGGCAAGGACGGCGTCTGCCTGCCGGGGGCCGCAGCGCTGCTG-3'
Protein context (NP_004924.1, residues 566-586): QPPQQREQPL[Asn576=]VTVCRCGKDG

ClinVar aggregate classification (germline): Likely benign (1 of 4 stars; one submission).

Allele frequency attached by ClinVar (database versions not stated): TOPMed 0.00019; gnomAD 0.00026; 1000 Genomes Project 30x 0.00031; ExAC 0.00036.
gnomAD v4.1: 598 of 1,535,594 alleles (0.039%); highest among the groups gnomAD compares: Middle Eastern, 0.099%; 2 homozygotes.

Submission:

CeGaT Center for Human Genetics Tuebingen
Classification: Likely benign. Last evaluated: 2022-12-01. Review status: criteria provided, single submitter. Criteria: CeGaT Center For Human Genetics Tuebingen Variant Classification Criteria Version 2. Collection method: clinical testing. Allele origin: germline. Affected: yes. Observed: 2 variant alleles.
Comment: CDH15: BP4, BP7